The following is an entry in ClinVar:

ClinVar aggregate classification (germline): Benign. Review status: criteria provided, multiple submitters, no conflicts (2 of 4 stars). 2 submissions from 2 submitters: Benign (2). Last evaluated 2018-06-18.

Allele frequency attached by ClinVar (database versions not stated): gnomAD exomes 0.00761; gnomAD 0.01754 and 0.01798; TOPMed 0.02143; 1000 Genomes Project 30x 0.03061; 1000 Genomes Project 0.03095.
gnomAD v4.1: 4,387 of 378,674 alleles (1.2%); highest among the groups gnomAD compares: African/African-American, 5.2%; 94 homozygotes.

Submissions (2):

GeneDx
Classification: Benign. Last evaluated: 2018-06-18. Review status: criteria provided, single submitter. Criteria: GeneDx Variant Classification (06012015). Collection method: clinical testing. Allele origin: germline. Affected: yes.
Comment: This variant is considered likely benign or benign based on one or more of the following criteria: it is a conservative change, it occurs at a poorly conserved position in the protein, it is predicted to be benign by multiple in silico algorithms, and/or has population frequency not consistent with disease.

Breakthrough Genomics
Classification: Benign. Review status: criteria provided, single submitter. Criteria: ACMG Guidelines, 2015. Collection method: not provided. Allele origin: germline. Inheritance: Autosomal dominant inheritance. Affected: yes.

NM_001035.3(RYR2):c.14151+201G>T

Gene: RYR2 (ryanodine receptor 2; plus strand). Cytogenetic location: 1q43.
Variant type: single nucleotide variant.
Coding change: c.14151+201G>T on transcript NM_001035.3 (MANE Select); 201 bases into the intron after coding-DNA position 14151, G replaced by T.
Molecular consequence: intron variant.
Genome position (GRCh38, 1-based): chr1:237,802,117, G>T. VCF-style: chr1-237802117-G-T. GRCh37 (hg19) VCF-style: chr1-237965417-G-T.
Identifiers: ClinVar variation 674329 (VCV000674329.2), dbSNP rs73103994, ClinGen allele CA39840247.